The following is an entry in ClinVar:

NM_001271.4(CHD2):c.1091A>T (p.Asn364Ile)

Gene: CHD2 (chromodomain helicase DNA binding protein 2; plus strand). Cytogenetic location: 15q26.1.
Variant type: single nucleotide variant.
Coding change: c.1091A>T on transcript NM_001271.4 (MANE Select); coding-DNA position 1091, A replaced by T.
Protein change: p.Asn364Ile; replaces asparagine 364 with isoleucine.
Molecular consequence: missense variant.
Genome position (GRCh38, 1-based): chr15:92,944,453, A>T. VCF-style: chr15-92944453-A-T. GRCh37 (hg19) VCF-style: chr15-93487683-A-T.
Other names: c.1091A>T, p.Asn364Ile (NM_001042572.3); short protein forms N364I.
Identifiers: ClinVar variation 1373454 (VCV001373454.7), dbSNP rs143043614, ClinGen allele CA393903004.

ClinVar aggregate classification (germline): Conflicting classifications of pathogenicity. Review status: criteria provided, conflicting classifications (1 of 4 stars). 2 submissions from 2 submitters: Uncertain significance (1); Likely benign (1). Last evaluated 2026-09-01.

Conditions:
Developmental and epileptic encephalopathy 94 (DEE94). Also called: Epileptic encephalopathy, childhood-onset; CHD2-Related Neurodevelopmental Disorders. Identifiers: Orphanet 1942, Orphanet 2382, MedGen C3809278, MONDO:0014150, OMIM 615369.

gnomAD v4.1: 3 of 1,610,968 alleles (0.00019%); highest among the groups gnomAD compares: Non-Finnish European, 0.00025%; no homozygotes.

Submissions (2):

CeGaT Center for Human Genetics Tuebingen
Classification: Likely benign. Last evaluated: 2026-09-01. Review status: criteria provided, single submitter. Criteria: CeGaT Center For Human Genetics Tuebingen Variant Classification Criteria Version 2. Collection method: clinical testing. Allele origin: germline. Affected: yes. Observed: 1 variant allele.
Comment: CHD2: BP4

Labcorp Genetics (formerly Invitae), Labcorp
Classification: Uncertain significance for Developmental and epileptic encephalopathy 94. Last evaluated: 2025-01-06. Review status: criteria provided, single submitter. Criteria: Invitae Variant Classification Sherloc (09022015). Collection method: clinical testing. Allele origin: germline.
Comment: This sequence change replaces asparagine, which is neutral and polar, with isoleucine, which is neutral and non-polar, at codon 364 of the CHD2 protein (p.Asn364Ile). This variant is not present in population databases (gnomAD no frequency). This missense change has been observed in individual(s) with clinical features of CHD2-related conditions (internal data). ClinVar contains an entry for this variant (Variation ID: 1373454). Invitae Evidence Modeling of protein sequence and biophysical properties (such as structural, functional, and spatial information, amino acid conservation, physicochemical variation, residue mobility, and thermodynamic stability) indicates that this missense variant is not expected to disrupt CHD2 protein function with a negative predictive value of 95%. In summary, the available evidence is currently insufficient to determine the role of this variant in disease. Therefore, it has been classified as a Variant of Uncertain Significance.